The following is an entry in ClinVar:

NM_002485.5(NBN):c.1478_1481del (p.Thr493fs)

Gene: NBN (nibrin; minus strand). Cytogenetic location: 8q21.3.
Variant type: Deletion.
Coding change: c.1478_1481del on transcript NM_002485.5 (MANE Select); coding-DNA positions 1478 to 1481, 4 bases deleted (CACA; older notation c.1478_1481delCACA).
Protein change: p.Thr493fs; shifts the reading frame from threonine 493.
Molecular consequence: frameshift variant.
Genome position (GRCh38, 1-based): chr8:89,953,608-89,953,611, TGTG deleted on the plus strand (CACA on the coding strand, the reverse complement: NBN is on the minus strand); deleting any 4 consecutive bases within chr8:89,953,608-89,953,612 gives the same sequence; the c. name uses the placement nearest the transcript's 3' end. VCF-style (leftmost placement, unchanged base first): chr8-89953607-TTGTG-T. GRCh37 (hg19) VCF-style: chr8-90965835-TTGTG-T.
Other names: c.1232_1235del, p.Thr411fs (NM_001024688.3); c.1478_1481delCACA (NM_002485.4); short protein forms T411fs, T493fs.
Identifiers: ClinVar variation 959688 (VCV000959688.10), dbSNP rs1586054483, ClinGen allele CA1139660635.

ClinVar aggregate classification (germline): Pathogenic. Review status: criteria provided, multiple submitters, no conflicts (2 of 4 stars). 2 submissions from 2 submitters: Pathogenic (2). Last evaluated 2023-12-15.

Conditions:
Hereditary cancer-predisposing syndrome. Also called: Hereditary neoplastic syndrome; Tumor predisposition; Neoplastic Syndromes, Hereditary; Hereditary Cancer Syndrome. Identifiers: Orphanet 140162, MedGen C0027672, MeSH D009386, MONDO:0015356.
Microcephaly, normal intelligence and immunodeficiency (NBS). Also called: Immunodeficiency, microcephaly with normal intelligence; Nijmegen breakage syndrome; Ataxia telangiectasia variant V1; SEEMANOVA SYNDROME II; BERLIN BREAKAGE SYNDROME; IMMUNODEFICIENCY, MICROCEPHALY, AND CHROMOSOMAL INSTABILITY. Identifiers: Orphanet 647, MedGen C0398791, MONDO:0009623, OMIM 251260.

Submissions (2):

Ambry Genetics
Classification: Pathogenic for Hereditary cancer-predisposing syndrome. Last evaluated: 2023-12-15. Review status: criteria provided, single submitter. Criteria: Ambry Variant Classification Scheme 2023. Collection method: clinical testing. Allele origin: germline.
Comment: The c.1478_1481delCACA pathogenic mutation, located in coding exon 11 of the NBN gene, results from a deletion of 4 nucleotides at nucleotide positions 1478 to 1481, causing a translational frameshift with a predicted alternate stop codon (p.T493Nfs*35). This variant is considered to be rare based on population cohorts in the Genome Aggregation Database (gnomAD). This alteration is expected to result in loss of function by premature protein truncation or nonsense-mediated mRNA decay. As such, this alteration is interpreted as a disease-causing mutation.

Labcorp Genetics (formerly Invitae), Labcorp
Classification: Pathogenic for Microcephaly, normal intelligence and immunodeficiency. Last evaluated: 2021-10-09. Review status: criteria provided, single submitter. Criteria: Invitae Variant Classification Sherloc (09022015). Collection method: clinical testing. Allele origin: germline.
Comment: For these reasons, this variant has been classified as Pathogenic. ClinVar contains an entry for this variant (Variation ID: 959688). This variant has not been reported in the literature in individuals affected with NBN-related conditions. This variant is not present in population databases (ExAC no frequency). This sequence change creates a premature translational stop signal (p.Thr493Asnfs*35) in the NBN gene. It is expected to result in an absent or disrupted protein product. Loss-of-function variants in NBN are known to be pathogenic (PMID: 9590180, 16415040).

Literature cited by the submitters: PubMed 9590180 (cited by Labcorp Genetics (formerly Invitae), Labcorp); PubMed 16415040 (cited by Labcorp Genetics (formerly Invitae), Labcorp).